The following is an entry in ClinVar:

NM_006876.3(B4GAT1):c.667G>A (p.Ala223Thr)

Gene: B4GAT1 (beta-1,4-glucuronyltransferase 1; minus strand). Cytogenetic location: 11q13.2.
Variant type: single nucleotide variant.
Coding change: c.667G>A on transcript NM_006876.3 (MANE Select); coding-DNA position 667, G replaced by A.
Protein change: p.Ala223Thr; replaces alanine 223 with threonine.
Molecular consequence: missense variant.
Genome position (GRCh38, 1-based): chr11:66,346,879, C>T on the plus strand (G>A on the coding strand, the complement: B4GAT1 is on the minus strand). VCF-style: chr11-66346879-C-T. GRCh37 (hg19) VCF-style: chr11-66114350-C-T.
Other names: short protein forms A223T.
Identifiers: ClinVar variation 1397777 (VCV001397777.8), dbSNP rs1855225079, ClinGen allele CA381417915.

ClinVar aggregate classification (germline): Uncertain significance (1 of 4 stars; one submission).

Conditions:
Muscular dystrophy-dystroglycanopathy (congenital with brain and eye anomalies), type A13. Also called: WALKER-WARBURG SYNDROME OR MUSCLE-EYE-BRAIN DISEASE, B3GNT1-RELATED; Muscular dystrophy-dystroglycanopathy (congenital with brain and eye anomalies), type a, 13. Identifiers: Orphanet 899, MedGen C3809042, MONDO:0014120, OMIM 615287.

Allele frequency attached by ClinVar (database versions not stated): gnomAD exomes below 0.00001; gnomAD 0.00001.
gnomAD v4.1: 4 of 1,613,870 alleles (0.00025%); highest among the groups gnomAD compares: Non-Finnish European, 0.00034%; no homozygotes.

Submission:

Labcorp Genetics (formerly Invitae), Labcorp
Classification: Uncertain significance for Muscular dystrophy-dystroglycanopathy (congenital with brain and eye anomalies), type A13. Last evaluated: 2022-08-16. Review status: criteria provided, single submitter. Criteria: Invitae Variant Classification Sherloc (09022015). Collection method: clinical testing. Allele origin: germline.
Comment: This sequence change replaces alanine, which is neutral and non-polar, with threonine, which is neutral and polar, at codon 223 of the B4GAT1 protein (p.Ala223Thr). Algorithms developed to predict the effect of missense changes on protein structure and function (SIFT, PolyPhen-2, Align-GVGD) all suggest that this variant is likely to be tolerated. This variant is not present in population databases (gnomAD no frequency). This variant has not been reported in the literature in individuals affected with B4GAT1-related conditions. ClinVar contains an entry for this variant (Variation ID: 1397777). In summary, the available evidence is currently insufficient to determine the role of this variant in disease. Therefore, it has been classified as a Variant of Uncertain Significance.